The following is an entry in ClinVar:

NM_007286.6(SYNPO):c.2177C>T (p.Pro726Leu)

Genes: SYNPO (synaptopodin; plus strand), LOC129995010 (ATAC-STARR-seq lymphoblastoid silent region 16515; plus strand). Cytogenetic location: 5q33.1.
Variant type: single nucleotide variant.
Coding change: c.2177C>T on transcript NM_007286.6 (MANE Select); coding-DNA position 2177, C replaced by T.
Protein change: p.Pro726Leu; replaces proline 726 with leucine.
Molecular consequence: missense variant.
Genome position (GRCh38, 1-based): chr5:150,656,552, C>T. VCF-style: chr5-150656552-C-T. GRCh37 (hg19) VCF-style: chr5-150036114-C-T.
Other names: short protein forms P726L.
Identifiers: ClinVar variation 2788754 (VCV002788754.3), dbSNP rs1464208939, ClinGen allele CA361770642.
Genomic context (GRCh38, chr5:150,656,552, plus strand): 5'-GCCCGTGGGAGCCAGGTCGCGGGAGCAGCATGAGCAGCCCCCCGCCGCTGCCGCCGCCAC[C>T]GCCCATGTCTCCCTCGTGGAGCGAGCGCTCGGTGTCCCCGCTGCGACCTGAGACCGAGGC-3'
Protein context (NP_009217.3, residues 716-736): MSSPPPLPPP[Pro726Leu]PMSPSWSERS

ClinVar aggregate classification (germline): Uncertain significance (1 of 4 stars; one submission).

gnomAD v4.1: 2 of 1,528,298 alleles (0.00013%); highest among the groups gnomAD compares: South Asian, 0.0012%; no homozygotes.

Submission:

Labcorp Genetics (formerly Invitae), Labcorp
Classification: Uncertain significance. Last evaluated: 2023-12-10. Review status: criteria provided, single submitter. Criteria: Invitae Variant Classification Sherloc (09022015). Collection method: clinical testing. Allele origin: germline.
Comment: This sequence change replaces proline, which is neutral and non-polar, with leucine, which is neutral and non-polar, at codon 726 of the SYNPO protein (p.Pro726Leu). This variant is not present in population databases (gnomAD no frequency). This variant has not been reported in the literature in individuals affected with SYNPO-related conditions. An algorithm developed to predict the effect of missense changes on protein structure and function (PolyPhen-2) suggests that this variant is likely to be disruptive. In summary, the available evidence is currently insufficient to determine the role of this variant in disease. Therefore, it has been classified as a Variant of Uncertain Significance.